The following is an entry in ClinVar:

ClinVar aggregate classification (germline): Uncertain significance (1 of 4 stars; one submission).

Submission:

Ambry Genetics
Classification: Uncertain significance. Last evaluated: 2025-06-09. Review status: criteria provided, single submitter. Criteria: Ambry Variant Classification Scheme 2023. Collection method: clinical testing. Allele origin: germline.
Comment: The p.V272L variant (also known as c.814G>T), located in coding exon 4 of the GFI1 gene, results from a G to T substitution at nucleotide position 814. The valine at codon 272 is replaced by leucine, an amino acid with highly similar properties. This amino acid position is conserved. In addition, this alteration is predicted to be tolerated by in silico analysis. Based on the available evidence, the clinical significance of this variant remains unclear.

NM_005263.5(GFI1):c.814G>T (p.Val272Leu)

Gene: GFI1 (growth factor independent 1 transcriptional repressor; minus strand). Cytogenetic location: 1p22.1.
Variant type: single nucleotide variant.
Coding change: c.814G>T on transcript NM_005263.5 (MANE Select); coding-DNA position 814, G replaced by T.
Protein change: p.Val272Leu; replaces valine 272 with leucine.
Molecular consequence: missense variant.
Genome position (GRCh38, 1-based): chr1:92,480,458, C>A on the plus strand (G>T on the coding strand, the complement: GFI1 is on the minus strand). VCF-style: chr1-92480458-C-A. GRCh37 (hg19) VCF-style: chr1-92946015-C-A.
Other names: c.814G>T, p.Val272Leu (NM_001127215.3, NM_001127216.3); short protein forms V272L.
Identifiers: ClinVar variation 4029451 (VCV004029451.1).